The following is an entry in ClinVar:

NM_000246.4(CIITA):c.872C>T (p.Ala291Val)

Gene: CIITA (class II major histocompatibility complex transactivator; plus strand). Cytogenetic location: 16p13.13.
Variant type: single nucleotide variant.
Coding change: c.872C>T on transcript NM_000246.4 (MANE Select); coding-DNA position 872, C replaced by T.
Protein change: p.Ala291Val; replaces alanine 291 with valine.
Molecular consequence: missense variant. On other transcripts: non-coding transcript variant (1).
Genome position (GRCh38, 1-based): chr16:10,903,830, C>T. VCF-style: chr16-10903830-C-T. GRCh37 (hg19) VCF-style: chr16-10997687-C-T.
Other names: c.875C>T, p.Ala292Val (NM_001286402.1, NM_001379332.1); c.725C>T, p.Ala242Val (NM_001286403.2, NM_001379331.1); c.728C>T, p.Ala243Val (NM_001379330.1); c.872C>T, p.Ala291Val (NM_001379333.1); c.803C>T, p.Ala268Val (NM_001379334.1); short protein forms A291V, A242V, A243V, A268V, A292V.
Identifiers: ClinVar variation 2052106 (VCV002052106.3), dbSNP rs370673632, ClinGen allele CA7899933.
Genomic context (GRCh38, chr16:10,903,830, plus strand): 5'-GATTCACTGTCCACGGCCTCCCAACATCTCCAGACCGGCCAGGCTCCACCAGCCCCTTCG[C>T]TCCATCAGCCACTGACCTGCCCAGCATGCCTGAACCTGCCCTGACCTCCCGAGCAAACAT-3'
Protein context (NP_000237.2, residues 281-301): PDRPGSTSPF[Ala291Val]PSATDLPSMP

ClinVar aggregate classification (germline): Uncertain significance. Review status: criteria provided, multiple submitters, no conflicts (2 of 4 stars). 2 submissions from 2 submitters: Uncertain significance (2). Last evaluated 2025-04-14.

Conditions:
Inborn genetic diseases. Identifiers: MedGen C0950123, MeSH D030342.
MHC class II deficiency. Also called: Bare lymphocyte syndrome 2; BLS, TYPE II. Identifiers: Orphanet 572, MedGen C5447452, MONDO:0008855.

Allele frequency attached by ClinVar (database versions not stated): ExAC 0.00002; gnomAD 0.00005; TOPMed 0.00005; gnomAD exomes 0.00006; ESP Exome Variant Server 0.00008.
gnomAD v4.1: 90 of 1,614,124 alleles (0.0056%); highest among the groups gnomAD compares: Non-Finnish European, 0.0073%; no homozygotes.

Submissions (2):

Ambry Genetics
Classification: Uncertain significance for Inborn genetic diseases. Last evaluated: 2025-04-14. Review status: criteria provided, single submitter. Criteria: Ambry Variant Classification Scheme 2023. Collection method: clinical testing. Allele origin: germline.

Labcorp Genetics (formerly Invitae), Labcorp
Classification: Uncertain significance for MHC class II deficiency. Last evaluated: 2022-08-16. Review status: criteria provided, single submitter. Criteria: Invitae Variant Classification Sherloc (09022015). Collection method: clinical testing. Allele origin: germline.
Comment: This sequence change replaces alanine, which is neutral and non-polar, with valine, which is neutral and non-polar, at codon 291 of the CIITA protein (p.Ala291Val). This variant is present in population databases (rs370673632, gnomAD 0.004%). This variant has not been reported in the literature in individuals affected with CIITA-related conditions. Algorithms developed to predict the effect of missense changes on protein structure and function are either unavailable or do not agree on the potential impact of this missense change (SIFT: "Deleterious"; PolyPhen-2: "Benign"; Align-GVGD: "Class C0"). In summary, the available evidence is currently insufficient to determine the role of this variant in disease. Therefore, it has been classified as a Variant of Uncertain Significance.